The following is an entry in ClinVar:

NM_004260.4(RECQL4):c.2681G>T (p.Arg894Ile)

Gene: RECQL4 (RecQ like helicase 4; minus strand). Cytogenetic location: 8q24.3.
Variant type: single nucleotide variant.
Coding change: c.2681G>T on transcript NM_004260.4 (MANE Select); coding-DNA position 2681, G replaced by T.
Protein change: p.Arg894Ile; replaces arginine 894 with isoleucine.
Molecular consequence: missense variant. On other transcripts: non-coding transcript variant (3).
Genome position (GRCh38, 1-based): chr8:144,512,921, C>A on the plus strand (G>T on the coding strand, the complement: RECQL4 is on the minus strand). VCF-style: chr8-144512921-C-A. GRCh37 (hg19) VCF-style: chr8-145738304-C-A.
Other names: c.2387G>T, p.Arg796Ile (NM_001413017.1); c.2483G>T, p.Arg828Ile (NM_001413018.1); c.2681G>T, p.Arg894Ile (NM_001413019.1, NM_001413036.1); c.2585G>T, p.Arg862Ile (NM_001413020.1); c.1610G>T, p.Arg537Ile (NM_001413021.1, NM_001413022.1, NM_001413023.1 and 5 more transcripts); c.2552G>T, p.Arg851Ile (NM_001413025.1); c.1544G>T, p.Arg515Ile (NM_001413027.1, NM_001413030.1, NM_001413041.1 and 1 more transcripts); c.2330G>T, p.Arg777Ile (NM_001413029.1); and 6 more; short protein forms R405I, R515I, R777I, R828I, R851I, R493I, R527I, R796I.
Identifiers: ClinVar variation 2711471 (VCV002711471.3), dbSNP rs1206178457, ClinGen allele CA372675327.

ClinVar aggregate classification (germline): Uncertain significance (1 of 4 stars; one submission).

Conditions:
Baller-Gerold syndrome (BGS). Also called: CRANIOSYNOSTOSIS WITH RADIAL DEFECTS. Identifiers: Orphanet 1225, MedGen C0265308, MONDO:0009039, OMIM 218600.

Submission:

Labcorp Genetics (formerly Invitae), Labcorp
Classification: Uncertain significance for Baller-Gerold syndrome. Last evaluated: 2024-01-25. Review status: criteria provided, single submitter. Criteria: Invitae Variant Classification Sherloc (09022015). Collection method: clinical testing. Allele origin: germline.
Comment: This sequence change replaces arginine, which is basic and polar, with isoleucine, which is neutral and non-polar, at codon 894 of the RECQL4 protein (p.Arg894Ile). This variant is not present in population databases (gnomAD no frequency). This variant has not been reported in the literature in individuals affected with RECQL4-related conditions. Advanced modeling of protein sequence and biophysical properties (such as structural, functional, and spatial information, amino acid conservation, physicochemical variation, residue mobility, and thermodynamic stability) performed at Invitae indicates that this missense variant is not expected to disrupt RECQL4 protein function with a negative predictive value of 80%. In summary, the available evidence is currently insufficient to determine the role of this variant in disease. Therefore, it has been classified as a Variant of Uncertain Significance.